The following is an entry in ClinVar:

NM_001160148.2(DDHD1):c.1842+6_1842+10del

Gene: DDHD1 (DDHD domain containing 1; minus strand). Cytogenetic location: 14q22.1.
Variant type: Deletion.
Coding change: c.1842+6_1842+10del on transcript NM_001160148.2 (MANE Select); bases 6 to 10 of the intron after coding-DNA position 1842, 5 bases deleted (GAAAG; older notation c.1842+6_1842+10delGAAAG).
Molecular consequence: intron variant.
Genome position (GRCh38, 1-based): chr14:53,061,116-53,061,120, CTTTC deleted on the plus strand (GAAAG on the coding strand, the reverse complement: DDHD1 is on the minus strand); deleting any 5 consecutive bases within chr14:53,061,116-53,061,123 gives the same sequence; the c. name uses the placement nearest the transcript's 3' end. VCF-style (leftmost placement, unchanged base first): chr14-53061115-TCTTTC-T. GRCh37 (hg19) VCF-style: chr14-53527833-TCTTTC-T.
Other names: c.1842+6_1842+10del (NM_030637.3); c.1863+6_1863+10del (NM_001160147.2).
Identifiers: ClinVar variation 1024418 (VCV001024418.6), dbSNP rs1383634209, ClinGen allele CA613927747.
Genomic context (GRCh38, chr14:53,061,115, plus strand): 5'-AAGGCATATTTCACATGACGTTAAAAAAAATACTGAGATCAATGTTGAAGAACACATTGC[TCTTTC>T]CTTACCTTAAATTTTAAGGCAGGTGTTTGTGTCATAGATGATGCTTTCAATCCGTGAAGC-3'

ClinVar aggregate classification (germline): Uncertain significance (1 of 4 stars; one submission).

Conditions:
Hereditary spastic paraplegia 28. Also called: Spastic paraplegia 28, autosomal recessive. Identifiers: Orphanet 101008, MedGen C1836295, MONDO:0012256, OMIM 609340.

Submission:

Labcorp Genetics (formerly Invitae), Labcorp
Classification: Uncertain significance for Hereditary spastic paraplegia 28. Last evaluated: 2020-09-16. Review status: criteria provided, single submitter. Criteria: Invitae Variant Classification Sherloc (09022015). Collection method: clinical testing. Allele origin: germline.
Comment: Nucleotide substitutions within the consensus splice site are a relatively common cause of aberrant splicing (PMID: 17576681, 9536098). Algorithms developed to predict the effect of sequence changes on RNA splicing suggest that this variant is not likely to affect RNA splicing, but this prediction has not been confirmed by published transcriptional studies. In summary, the available evidence is currently insufficient to determine the role of this variant in disease. Therefore, it has been classified as a Variant of Uncertain Significance. This variant has not been reported in the literature in individuals with DDHD1-related conditions. This variant is not present in population databases (ExAC no frequency). This sequence change falls in intron 9 of the DDHD1 gene. It does not directly change the encoded amino acid sequence of the DDHD1 protein, but it affects a nucleotide within the consensus splice site of the intron.

Literature cited by the submitters: PubMed 17576681; PubMed 9536098.